The following is an entry in ClinVar:

NM_000288.4(PEX7):c.457G>A (p.Gly153Ser)

Gene: PEX7 (peroxisomal biogenesis factor 7; plus strand). Cytogenetic location: 6q23.3.
Variant type: single nucleotide variant.
Coding change: c.457G>A on transcript NM_000288.4 (MANE Select); coding-DNA position 457, G replaced by A.
Protein change: p.Gly153Ser; replaces glycine 153 with serine.
Molecular consequence: missense variant.
Genome position (GRCh38, 1-based): chr6:136,846,112, G>A. VCF-style: chr6-136846112-G-A. GRCh37 (hg19) VCF-style: chr6-137167250-G-A.
Other names: c.343G>A, p.Gly115Ser (NM_001410945.1); short protein forms G153S, G115S.
Identifiers: ClinVar variation 2144696 (VCV002144696.2), dbSNP rs188929106, ClinGen allele CA4017622.

ClinVar aggregate classification (germline): Uncertain significance (1 of 4 stars; one submission).

Conditions:
Peroxisome biogenesis disorder 9B. Also called: PEX7-Related Refsum Disease; Refsum disease, adult, 2; PEROXISOME BIOGENESIS DISORDER, PEX7-RELATED, ATYPICAL. Identifiers: Orphanet 773, MedGen C2749346, MONDO:0013945, OMIM 614879.

Allele frequency attached by ClinVar (database versions not stated): 1000 Genomes Project 30x 0.00016; gnomAD 0.00001; ExAC 0.00002; gnomAD exomes 0.00003; TOPMed 0.00001; 1000 Genomes Project 0.00020.

Submission:

Labcorp Genetics (formerly Invitae), Labcorp
Classification: Uncertain significance for Peroxisome biogenesis disorder 9B. Last evaluated: 2024-07-12. Review status: criteria provided, single submitter. Criteria: Invitae Variant Classification Sherloc (09022015). Collection method: clinical testing. Allele origin: germline.
Comment: This sequence change replaces glycine, which is neutral and non-polar, with serine, which is neutral and polar, at codon 153 of the PEX7 protein (p.Gly153Ser). This variant is present in population databases (rs188929106, gnomAD 0.002%). This variant has not been reported in the literature in individuals affected with PEX7-related conditions. ClinVar contains an entry for this variant (Variation ID: 2144696). An algorithm developed to predict the effect of missense changes on protein structure and function (PolyPhen-2) suggests that this variant is likely to be disruptive. In summary, the available evidence is currently insufficient to determine the role of this variant in disease. Therefore, it has been classified as a Variant of Uncertain Significance.